The following is an entry in ClinVar:

NM_016592.5(GNAS):c.592G>A (p.Asp198Asn)

Genes: GNAS (GNAS complex locus; plus strand), GNAS-AS1 (GNAS antisense RNA 1; minus strand). Cytogenetic location: 20q13.32.
Variant type: single nucleotide variant.
Coding change: c.592G>A on transcript NM_016592.5 (MANE Plus Clinical); coding-DNA position 592, G replaced by A.
Protein change: p.Asp198Asn; replaces aspartic acid 198 with asparagine.
Molecular consequence: missense variant. On other transcripts: 5 prime UTR variant (1).
Genome position (GRCh38, 1-based): chr20:58,840,698, G>A. VCF-style: chr20-58840698-G-A. GRCh37 (hg19) VCF-style: chr20-57415753-G-A.
Other names: c.-146G>A (NM_001410912.1); short protein forms D198N.
Identifiers: ClinVar variation 3047129 (VCV003047129.18), dbSNP rs371055001, ClinGen allele CA9926366.
Genomic context (GRCh38, chr20:58,840,698, plus strand): 5'-GCGCCGCCCAGCACTCAGGAGCCCCAGAGCCCCAGGGAAGGGGAGGAGCTCAAGCCCGAG[G>A]ACAAAGATCCAAGGGACCCCGAAGAGTCGAAGGAGCCCAAGGAGGAGAAGCAGCGGCGTC-3'
Protein context (NP_057676.1, residues 188-208): PREGEELKPE[Asp198Asn]KDPRDPEESK

ClinVar aggregate classification (germline): Likely benign. Review status: criteria provided, single submitter (1 of 4 stars). 2 submissions from 2 submitters: Likely benign (1). 1 of the submissions does not count toward it. Last evaluated 2024-06-01.

Conditions:
GNAS-related disorder. Identifiers: MedGen CN380105.

Allele frequency attached by ClinVar (database versions not stated): ExAC 0.00004; 1000 Genomes Project 0.00060; gnomAD exomes 0.00002; TOPMed 0.00004; gnomAD 0.00009; 1000 Genomes Project 30x 0.00062.
gnomAD v4.1: 51 of 1,604,044 alleles (0.0032%); highest among the groups gnomAD compares: East Asian, 0.062%; no homozygotes.

Submissions (2):

CeGaT Center for Human Genetics Tuebingen
Classification: Likely benign. Last evaluated: 2024-06-01. Review status: criteria provided, single submitter. Criteria: CeGaT Center For Human Genetics Tuebingen Variant Classification Criteria Version 2. Collection method: clinical testing. Allele origin: germline. Affected: yes. Observed: 1 variant allele.
Comment: GNAS: BP4, BS1

PreventionGenetics, part of Exact Sciences
Classification: Likely benign for GNAS-related condition. Last evaluated: 2022-04-06. Review status: no assertion criteria provided. Collection method: clinical testing. Allele origin: germline. Not counted in ClinVar's aggregate classification.
Comment: This variant is classified as likely benign based on ACMG/AMP sequence variant interpretation guidelines (Richards et al. 2015 PMID: 25741868, with internal and published modifications).